The following is an entry in ClinVar:

ClinVar aggregate classification (germline): Likely pathogenic (1 of 4 stars; one submission).

Conditions:
Leber congenital amaurosis (LCA). Also called: Leber's amaurosis. Identifiers: Orphanet 65, MedGen C0339527, MeSH D057130, MONDO:0018998.

gnomAD v4.1: 3 of 1,612,372 alleles (0.00019%); highest among the groups gnomAD compares: East Asian, 0.0045%; no homozygotes.

Submission:

Women's Health and Genetics/Laboratory Corporation of America, LabCorp
Classification: Likely pathogenic for Leber congenital amaurosis. Last evaluated: 2024-07-10. Review status: criteria provided, single submitter. Criteria: LabCorp Variant Classification Summary - May 2015. Collection method: clinical testing. Allele origin: germline.
Comment: Variant summary: GUCY2D c.2984G>A (p.Arg995Gln) results in a conservative amino acid change located in the Adenylyl cyclase class-3/4/guanylyl cyclase domain (IPR001054) of the encoded protein sequence. Four of five in-silico tools predict a damaging effect of the variant on protein function. The variant allele was found at a frequency of 4.1e-06 in 244998 control chromosomes. c.2984G>A has been reported in the literature in the compound heterozygous or presumed compound heterozygous state in multiple individuals affected with autosomal recessive Leber Congenital Amaurosis (example, Jacobson_2021, Moon_2021, Oh_2024, Rodilla_2023, Surl_2020). These data indicate that the variant may be associated with disease. At least one publication reports experimental evidence evaluating an impact on protein function. In vitro experiments in HEK293 cells found this variant reduced protein activity to <5% of wild type controls (example, Jacobson_2021). The following publications have been ascertained in the context of this evaluation (PMID: 33997691, 35052368, 37947821, 37327959, 32165824). ClinVar contains an entry for this variant (Variation ID: 982530). Based on the evidence outlined above, the variant was classified as likely pathogenic.

Literature cited by the submitters: PubMed 32165824; PubMed 35052368; PubMed 33997691; PubMed 37947821; PubMed 37327959.

NM_000180.4(GUCY2D):c.2984G>A (p.Arg995Gln)

Gene: GUCY2D (guanylate cyclase 2D, retinal; plus strand). Cytogenetic location: 17p13.1.
Variant type: single nucleotide variant.
Coding change: c.2984G>A on transcript NM_000180.4 (MANE Select); coding-DNA position 2984, G replaced by A.
Protein change: p.Arg995Gln; replaces arginine 995 with glutamine.
Molecular consequence: missense variant.
Genome position (GRCh38, 1-based): chr17:8,015,782, G>A. VCF-style: chr17-8015782-G-A. GRCh37 (hg19) VCF-style: chr17-7919100-G-A.
Other names: short protein forms R995Q.
Identifiers: ClinVar variation 982530 (VCV000982530.2), dbSNP rs777075412.